The following is an entry in ClinVar:

NM_000631.5(NCF4):c.421G>C (p.Glu141Gln)

Gene: NCF4 (neutrophil cytosolic factor 4; plus strand). Cytogenetic location: 22q12.3.
Variant type: single nucleotide variant.
Coding change: c.421G>C on transcript NM_000631.5 (MANE Select); coding-DNA position 421, G replaced by C.
Protein change: p.Glu141Gln; replaces glutamic acid 141 with glutamine.
Molecular consequence: missense variant.
Genome position (GRCh38, 1-based): chr22:36,870,493, G>C. VCF-style: chr22-36870493-G-C. GRCh37 (hg19) VCF-style: chr22-37266535-G-C.
Other names: c.421G>C, p.Glu141Gln (NM_013416.4); short protein forms E141Q.
Identifiers: ClinVar variation 1463119 (VCV001463119.4), dbSNP rs748172203, ClinGen allele CA411383899.

ClinVar aggregate classification (germline): Uncertain significance (1 of 4 stars; one submission).

Conditions:
Granulomatous disease, chronic, autosomal recessive, cytochrome b-positive, type 3. Also called: GRANULOMATOUS DISEASE, CHRONIC, DUE TO NCF4 DEFICIENCY; Granulomatous disease, chronic, autosomal recessive, cytochrome b-positive, type III; GRANULOMATOUS DISEASE, CHRONIC, AUTOSOMAL RECESSIVE, 3; CGD, AUTOSOMAL RECESSIVE CYTOCHROME b-POSITIVE, TYPE III. Identifiers: Orphanet 379, MedGen C3151409, MONDO:0013507, OMIM 613960.

Allele frequency attached by ClinVar (database versions not stated): TOPMed below 0.00001.

Submission:

Labcorp Genetics (formerly Invitae), Labcorp
Classification: Uncertain significance for Granulomatous disease, chronic, autosomal recessive, cytochrome b-positive, type 3. Last evaluated: 2022-06-20. Review status: criteria provided, single submitter. Criteria: Invitae Variant Classification Sherloc (09022015). Collection method: clinical testing. Allele origin: germline.
Comment: This variant has not been reported in the literature in individuals affected with NCF4-related conditions. This variant is not present in population databases (gnomAD no frequency). This sequence change replaces glutamic acid, which is acidic and polar, with glutamine, which is neutral and polar, at codon 141 of the NCF4 protein (p.Glu141Gln). Algorithms developed to predict the effect of missense changes on protein structure and function are either unavailable or do not agree on the potential impact of this missense change (SIFT: "Tolerated"; PolyPhen-2: "Possibly Damaging"; Align-GVGD: "Class C0"). In summary, the available evidence is currently insufficient to determine the role of this variant in disease. Therefore, it has been classified as a Variant of Uncertain Significance.